The following is an entry in ClinVar:

NM_000404.4(GLB1):c.1501C>G (p.Leu501Val)

Gene: GLB1 (galactosidase beta 1; minus strand). Cytogenetic location: 3p22.3.
Variant type: single nucleotide variant.
Coding change: c.1501C>G on transcript NM_000404.4 (MANE Select); coding-DNA position 1501, C replaced by G.
Protein change: p.Leu501Val; replaces leucine 501 with valine.
Molecular consequence: missense variant.
Genome position (GRCh38, 1-based): chr3:33,014,289, G>C on the plus strand (C>G on the coding strand, the complement: GLB1 is on the minus strand). VCF-style: chr3-33014289-G-C. GRCh37 (hg19) VCF-style: chr3-33055781-G-C.
Other names: c.1501C>G (NM_000404.3); c.1411C>G, p.Leu471Val (NM_001079811.3); c.1108C>G, p.Leu370Val (NM_001135602.3); c.1645C>G, p.Leu549Val (NM_001317040.2); c.1501C>G, p.Leu501Val (NM_001393580.1); short protein forms L501V, L549V, L370V, L471V.
Identifiers: ClinVar variation 2047843 (VCV002047843.5), dbSNP rs762655673, ClinGen allele CA2299372.

ClinVar aggregate classification (germline): Uncertain significance. Review status: criteria provided, multiple submitters, no conflicts (2 of 4 stars). 3 submissions from 3 submitters: Uncertain significance (3). Last evaluated 2023-07-17.

Conditions:
GM1 gangliosidosis. Identifiers: Orphanet 354, MedGen C0085131, MONDO:0018149.
Mucopolysaccharidosis, MPS-IV-B (MPS4B). Also called: MORQUIO SYNDROME B; Mucopolysaccharidosis Type IVB (Morquio B Disease); Mucopolysaccharidosis type IV B; Mucopolysaccharidosis Type IVB; Mucopolysaccharidosis type 4B; Mucopolysaccharidosis type IVB (Morquio). Identifiers: Orphanet 309310, Orphanet 582, MedGen C0086652, MONDO:0009660, OMIM 253010.

Allele frequency attached by ClinVar (database versions not stated): TOPMed below 0.00001; gnomAD 0.00002; gnomAD exomes 0.00005; ExAC 0.00014.
gnomAD v4.1: 71 of 1,614,032 alleles (0.0044%); highest among the groups gnomAD compares: South Asian, 0.072%; no homozygotes.

Submissions (3):

Victorian Clinical Genetics Services, Murdoch Childrens Research Institute
Classification: Uncertain significance for GM1 gangliosidosis. Last evaluated: 2023-07-17. Review status: criteria provided, single submitter. Criteria: ACMG Guidelines, 2015. Collection method: clinical testing. Allele origin: germline. Inheritance: Autosomal recessive inheritance. Affected: yes.
Comment: Based on the classification scheme VCGS_Germline_v1.3.4, this variant is classified as VUS-3B. Following criteria are met: 0102 - Loss of function is a known mechanism of disease in this gene and is associated with GM1 gangliosidosis (MONDO#0018149). (I) 0106 - This gene is associated with autosomal recessive disease. (I) 0200 - Variant is predicted to result in a missense amino acid change from leucine to valine. (I) 0252 - This variant is homozygous. (I) 0304 - Variant is present in gnomAD (v2) <0.01 for a recessive condition (24 heterozygotes, 0 homozygotes). (SP) 0502 - Missense variant with conflicting in silico predictions and high conservation. (I) 0604 - Variant is not located in an established domain, motif, hotspot or informative constraint region. (I) 0705 - No comparable missense variants have previous evidence for pathogenicity. (I) 0807 - This variant has no previous evidence of pathogenicity. (I) 0905 - No published segregation evidence has been identified for this variant. (I) 1007 - No published functional evidence has been identified for this variant. (I) Legend: (SP) - Supporting pathogenic, (I) - Information, (SB) - Supporting benign

Revvity Omics, Revvity
Classification: Uncertain significance. Last evaluated: 2022-07-18. Review status: criteria provided, single submitter. Criteria: ACMG Guidelines, 2015. Collection method: clinical testing. Allele origin: germline.

Labcorp Genetics (formerly Invitae), Labcorp
Classification: Uncertain significance for Mucopolysaccharidosis, MPS-IV-B; GM1 gangliosidosis. Last evaluated: 2021-09-01. Review status: criteria provided, single submitter. Criteria: Invitae Variant Classification Sherloc (09022015). Collection method: clinical testing. Allele origin: germline.
Comment: This sequence change replaces leucine with valine at codon 501 of the GLB1 protein (p.Leu501Val). The leucine residue is moderately conserved and there is a small physicochemical difference between leucine and valine. This variant is present in population databases (rs762655673, ExAC 0.09%). This variant has not been reported in the literature in individuals affected with GLB1-related conditions. Algorithms developed to predict the effect of missense changes on protein structure and function are either unavailable or do not agree on the potential impact of this missense change (SIFT: "Deleterious"; PolyPhen-2: "Possibly Damaging"; Align-GVGD: "Class C0"). Algorithms developed to predict the effect of sequence changes on RNA splicing suggest that this variant may create or strengthen a splice site. In summary, the available evidence is currently insufficient to determine the role of this variant in disease. Therefore, it has been classified as a Variant of Uncertain Significance.